The following is an entry in ClinVar:

ClinVar aggregate classification (germline): Pathogenic. Review status: criteria provided, multiple submitters, no conflicts (2 of 4 stars). 17 submissions from 16 submitters: Pathogenic (15). 2 of the submissions do not count toward it. Last evaluated 2026-07-02.

Conditions:
MEN1-related disorder. Also called: MEN1-related condition.
Hereditary cancer-predisposing syndrome. Also called: Hereditary neoplastic syndrome; Tumor predisposition; Neoplastic Syndromes, Hereditary; Hereditary Cancer Syndrome. Identifiers: Orphanet 140162, MedGen C0027672, MeSH D009386, MONDO:0015356.
Lipoma, somatic. Identifiers: MedGen C4017330.
Multiple endocrine neoplasia, type 1 (MEN1). Also called: MEA I; Endocrine adenomatosis multiple; MEN 1; MEN I; WERMER SYNDROME. Identifiers: Orphanet 652, MedGen C0025267, MeSH D018761, MONDO:0007540, OMIM 131100.
Neoplasm of the endocrine system. Also called: Endocrine gland neoplasm; Endocrine neoplasia. Identifiers: Orphanet 182130, MedGen C0014132, MONDO:0002082, HP:0100568.

Submissions 1 to 11 of 17:

Cambridge Genomics Laboratory, East Genomic Laboratory Hub, NHS Genomic Medicine Service
Classification: Pathogenic for Endocrine neoplasia. Last evaluated: 2026-07-02. Review status: criteria provided, single submitter. Criteria: ACGS Best Practice Guidelines for Variant Classification in Rare Disease 2020. Collection method: clinical testing. Allele origin: germline. Affected: yes.
Comment: PVS1,PS4_Supporting,PM2_Supporting

Medical and Scientific Branch, Hong Kong Genome Institute
Classification: Pathogenic for Multiple endocrine neoplasia, type 1. Last evaluated: 2025-12-11. Review status: criteria provided, single submitter. Criteria: ACMG Guidelines, 2015. Collection method: clinical testing. Allele origin: germline. Affected: yes.

Labcorp Genetics (formerly Invitae), Labcorp
Classification: Pathogenic for Multiple endocrine neoplasia, type 1. Last evaluated: 2025-07-30. Review status: criteria provided, single submitter. Criteria: Invitae Variant Classification Sherloc (09022015). Collection method: clinical testing. Allele origin: germline.
Comment: This sequence change creates a premature translational stop signal (p.Ile85Serfs*33) in the MEN1 gene. It is expected to result in an absent or disrupted protein product. Loss-of-function variants in MEN1 are known to be pathogenic (PMID: 12112656, 17853334). This variant is not present in population databases (gnomAD no frequency). This premature translational stop signal has been observed in individual(s) with multiple endocrine neoplasia type 1 (PMID: 9103196, 9215690, 15635078, 17623761, 17879353, 24915123). Invitae Evidence Modeling of clinical and family history, age, sex, and reported ancestry of multiple individuals with this MEN1 variant has been performed. This variant is expected to be pathogenic with a positive predictive value of at least 99%. This is a validated machine learning model that incorporates the clinical features of 1,366,787 individuals referred to our laboratory for MEN1 testing. ClinVar contains an entry for this variant (Variation ID: 16693). For these reasons, this variant has been classified as Pathogenic.

Institute for Genomic Medicine (IGM) Clinical Laboratory, Nationwide Children's Hospital
Classification: Pathogenic for Multiple endocrine neoplasia, type 1. Last evaluated: 2025-03-31. Review status: criteria provided, single submitter. Criteria: ACMG Guidelines, 2015. Collection method: clinical testing. Allele origin: germline.
Comment: This variant is predicted to result in loss of function through nonsense-mediated decay of the encoded transcript or premature truncation of the encoded protein in a gene in which loss of function is a known mechanism of disease (ACMG/AMP: PVS1; PMIDs:9463336, 17879353, 30324798). This variant has been reported at an elevated frequency in affected individuals/in multiple affected individuals in the literature (ACMG/AMP: PS4; PMIDs:9463336, 15635078, 30324798, 17879353, 30339208). This variant is absent from or present at an exceedingly low frequency in gnomAD, a large-scale control population database (ACMG/AMP: PM2).

Center for Genomic Medicine, Rigshospitalet, Copenhagen University Hospital
Classification: Pathogenic. Last evaluated: 2025-03-04. Review status: criteria provided, single submitter. Criteria: ACMG Guidelines, 2015. Collection method: clinical testing. Allele origin: germline.

Quest Diagnostics Nichols Institute San Juan Capistrano
Classification: Pathogenic. Last evaluated: 2024-08-30. Review status: criteria provided, single submitter. Criteria: Quest Diagnostics criteria. Collection method: clinical testing. Allele origin: unknown.
Comment: The MEN1 c.249_252del (p.Ile85Serfs*33) variant alters the translational reading frame of the MEN1 mRNA and causes the premature termination of MEN1 protein synthesis. This variant has been reported in the published literature in several individuals with multiple endocrine neoplasia type 1 (MEN1) syndrome (PMIDs: 9103196 (1997), 9683585 (1998), 9671267 (1998), 9463336 (1998), 10576763 (1999), 10594843 (1999), 10664520 (2000), 15635078 (2005), 17623761 (2007), 17953629 (2007), 18045958 (2007), 27572829 (2016), 28968916 (2017), 29036195 (2017), 30324798 (2018), 35448982 (2022), 35965945 (2022), 35668420 (2022), 37484956 (2023)). This variant has also been reported in an individual with breast and thyroid cancer (PMID: 35534704 (2022)) and in an individual with MEN1 along with tumors in atypical-related organs of liver and lung (PMID: 35538538 (2022)). In addition, this variant was found in about 4.5% of all unrelated MEN1 families from a review of around 1133 variants identified in MEN1 gene (PMID: 17879353 (2008)). This variant has not been reported in large, multi-ethnic general populations (Genome Aggregation Database). Based on the available information, this variant is classified as pathogenic.

Blueprint Genetics
Classification: Pathogenic for MEN1-related disorders. Last evaluated: 2024-03-01. Review status: criteria provided, single submitter. Criteria: ACMG Guidelines, 2015. Collection method: clinical testing. Allele origin: germline. Affected: yes. Observed: 1 variant allele.

Ambry Genetics
Classification: Pathogenic for Hereditary cancer-predisposing syndrome. Last evaluated: 2024-01-04. Review status: criteria provided, single submitter. Criteria: Ambry Variant Classification Scheme 2023. Collection method: clinical testing. Allele origin: germline.
Comment: The c.249_252delGTCT pathogenic mutation, located in coding exon 1 of the MEN1 gene, results from a deletion of 4 nucleotides at nucleotide positions 249 to 252, causing a translational frameshift with a predicted alternate stop codon (p.I85Sfs*33). This alteration has been detected in multiple unrelated families in which the proband and/or family members exhibited the following MEN1-related characteristics: hyperparathyroidism, pituitary tumors, endocrine pancreatic tumors, carcinoid tumors, as well as a gastrinoma (Cardinal JW et al. J. Med. Genet. 2005 Jan;42(1):69-74). Another study found this alteration in a large kindred with familial isolated hyperparathyroidism and no other symptoms of MEN1 (Karges W et al. J. Endocrinol. 2000 Jul;166:1-9). In a review of the over 1300 mutations identified in the MEN1 gene since its discovery in 1997, this frameshift mutation was found to be in 4.5% of unrelated MEN1 families (Lemos MC and Thakker RV. Human Mutation. 2008 Jan;29(1):22-32). This variant is considered to be rare based on population cohorts in the Genome Aggregation Database (gnomAD). In addition to the clinical data presented in the literature, this alteration is expected to result in loss of function by premature protein truncation or nonsense-mediated mRNA decay. As such, this alteration is interpreted as a disease-causing mutation.

Myriad Genetics, Inc.
Classification: Pathogenic for Multiple endocrine neoplasia, type 1. Last evaluated: 2023-07-07. Review status: criteria provided, single submitter. Criteria: Myriad Autosomal Dominant, Autosomal Recessive and X-Linked Classification Criteria (2023). Collection method: clinical testing. Allele origin: unknown.
Comment: This variant is considered pathogenic. This variant creates a frameshift predicted to result in premature protein truncation.

Women's Health and Genetics/Laboratory Corporation of America, LabCorp
Classification: Pathogenic for Multiple endocrine neoplasia, type 1. Last evaluated: 2022-01-11. Review status: criteria provided, single submitter. Criteria: LabCorp Variant Classification Summary - May 2015. Collection method: clinical testing. Allele origin: germline.
Comment: Variant summary: MEN1 c.249_252delGTCT (p.Ile85SerfsX33) results in a premature termination codon, predicted to cause a truncation of the encoded protein or absence of the protein due to nonsense mediated decay, which are commonly known mechanisms for disease. Truncations downstream of this position have been classified as pathogenic by our laboratory. The variant was absent in 240006 control chromosomes (gnomAD). c.249_252delGTCT has been reported in the literature in multiple individuals affected with Multiple Endocrine Neoplasia Type 1 (e.g. Bassett_1998, Geerdink_2003, Wautot_2002). The variant was found in about 4.5% of all Multiple Endocrine Neoplasia Type 1 patients/families (Lemos_2008). These data indicate that the variant is very likely to be associated with disease. Five ClinVar submitters have assessed this variant since 2014: all submitters classified the variant as pathogenic. Based on the evidence outlined above, the variant was classified as pathogenic.

Baylor Genetics
Classification: Pathogenic for Multiple Endocrine Neoplasia Type 1. Last evaluated: 2021-11-25. Review status: criteria provided, single submitter. Criteria: ACMG Guidelines, 2015. Collection method: clinical testing. Allele origin: unknown.

NM_001370259.2(MEN1):c.249_252del (p.Ile85fs)

Gene: MEN1 (menin 1; minus strand). Cytogenetic location: 11q13.1.
Variant type: Deletion.
Coding change: c.249_252del on transcript NM_001370259.2 (MANE Select); coding-DNA positions 249 to 252, 4 bases deleted (GTCT; older notation c.249_252delGTCT).
Protein change: p.Ile85fs; shifts the reading frame from isoleucine 85.
Molecular consequence: frameshift variant.
Genome position (GRCh38, 1-based): chr11:64,809,858-64,809,861, AGAC deleted on the plus strand (GTCT on the coding strand, the reverse complement: MEN1 is on the minus strand); deleting any 4 consecutive bases within chr11:64,809,858-64,809,863 gives the same sequence; the c. name uses the placement nearest the transcript's 3' end. VCF-style (leftmost placement, unchanged base first): chr11-64809857-TAGAC-T. GRCh37 (hg19) VCF-style: chr11-64577329-TAGAC-T.
Other names: c.249_252delGTCT (NM_130799.2); c.249_252del, p.Ile85fs (NM_000244.4, NM_001370251.2, NM_001370260.2 and 9 more transcripts); short protein forms I85fs.
Identifiers: ClinVar variation 16693 (VCV000016693.36), dbSNP rs587776841, ClinGen allele CA009345.